The following is an entry in ClinVar:

NM_000051.4(ATM):c.1549G>A (p.Val517Ile)

Gene: ATM (ATM serine/threonine kinase; plus strand). Cytogenetic location: 11q22.3.
Variant type: single nucleotide variant.
Coding change: c.1549G>A on transcript NM_000051.4 (MANE Select); coding-DNA position 1549, G replaced by A.
Protein change: p.Val517Ile; replaces valine 517 with isoleucine.
Molecular consequence: missense variant.
Genome position (GRCh38, 1-based): chr11:108,251,014, G>A. VCF-style: chr11-108251014-G-A. GRCh37 (hg19) VCF-style: chr11-108121741-G-A.
Other names: c.1549G>A (NM_000051.3); c.1549G>A, p.Val517Ile (NM_001351834.2); short protein forms V517I.
Identifiers: ClinVar variation 1036342 (VCV001036342.9), dbSNP rs2080117236, ClinGen allele CA382534332.

ClinVar aggregate classification (germline): Conflicting classifications of pathogenicity. Review status: criteria provided, conflicting classifications (1 of 4 stars). 2 submissions from 2 submitters: Uncertain significance (1); Likely benign (1). Last evaluated 2025-05-01.

Conditions:
Hereditary cancer-predisposing syndrome. Also called: Neoplastic Syndromes, Hereditary; Hereditary Cancer Syndrome; Tumor predisposition; Hereditary neoplastic syndrome. Identifiers: Orphanet 140162, MedGen C0027672, MeSH D009386, MONDO:0015356.
Ataxia-telangiectasia syndrome (AT). Also called: Ataxia-telangiectasia, complementation group D; ATAXIA-TELANGIECTASIA, COMPLEMENTATION GROUP A; ATAXIA-TELANGIECTASIA, FRESNO VARIANT; Ataxia-telangiectasia; Ataxia-telangiectasia, complementation group E; LOUIS-BAR SYNDROME. Identifiers: Orphanet 100, MedGen C0004135, MONDO:0008840, OMIM 208900.

Submissions (2):

Ambry Genetics
Classification: Likely benign for Hereditary cancer-predisposing syndrome. Last evaluated: 2025-05-01. Review status: criteria provided, single submitter. Criteria: Ambry Variant Classification Scheme 2023. Collection method: clinical testing. Allele origin: germline.

Labcorp Genetics (formerly Invitae), Labcorp
Classification: Uncertain significance for Ataxia-telangiectasia syndrome. Last evaluated: 2024-06-18. Review status: criteria provided, single submitter. Criteria: Invitae Variant Classification Sherloc (09022015). Collection method: clinical testing. Allele origin: germline.
Comment: This sequence change replaces valine, which is neutral and non-polar, with isoleucine, which is neutral and non-polar, at codon 517 of the ATM protein (p.Val517Ile). This variant is not present in population databases (gnomAD no frequency). This variant has not been reported in the literature in individuals affected with ATM-related conditions. ClinVar contains an entry for this variant (Variation ID: 1036342). Algorithms developed to predict the effect of missense changes on protein structure and function output the following: SIFT: "Not Available"; PolyPhen-2: "Benign"; Align-GVGD: "Not Available". The isoleucine amino acid residue is found in multiple mammalian species, which suggests that this missense change does not adversely affect protein function. In summary, the available evidence is currently insufficient to determine the role of this variant in disease. Therefore, it has been classified as a Variant of Uncertain Significance.